The following is an entry in ClinVar:

ClinVar aggregate classification (germline): Benign/Likely benign. Review status: criteria provided, multiple submitters, no conflicts (2 of 4 stars). 3 submissions from 3 submitters: Benign (2); Likely benign (1). Last evaluated 2023-03-01.

Allele frequency attached by ClinVar (database versions not stated): 1000 Genomes Project 30x 0.00297; 1000 Genomes Project 0.00359; TOPMed 0.00382; gnomAD 0.00436 and 0.00455; ESP Exome Variant Server 0.00477; gnomAD exomes 0.00510 and 0.00621; ExAC 0.00564.
gnomAD v4.1: 9,619 of 1,601,300 alleles (0.6%); highest among the groups gnomAD compares: South Asian, 0.95%; 53 homozygotes.

Submissions (3):

CeGaT Center for Human Genetics Tuebingen
Classification: Likely benign. Last evaluated: 2023-03-01. Review status: criteria provided, single submitter. Criteria: CeGaT Center For Human Genetics Tuebingen Variant Classification Criteria Version 2. Collection method: clinical testing. Allele origin: germline. Affected: yes. Observed: 1 variant allele.
Comment: AHRR: BP4, BS2

Labcorp Genetics (formerly Invitae), Labcorp
Classification: Benign. Last evaluated: 2018-03-29. Review status: criteria provided, single submitter. Criteria: Invitae Variant Classification Sherloc (09022015). Collection method: clinical testing. Allele origin: germline.

Breakthrough Genomics
Classification: Benign. Review status: criteria provided, single submitter. Criteria: ACMG Guidelines, 2015. Collection method: not provided. Allele origin: germline. Inheritance: Unknown mechanism. Affected: yes.

NC_000005.10:g.434169C>T

Genes: AHRR (aryl hydrocarbon receptor repressor; plus strand), PDCD6-AHRR (PDCD6-AHRR readthrough (NMD candidate); plus strand). Cytogenetic location: 5p15.33.
Variant type: single nucleotide variant.
Genome position: GRCh38 VCF-style: chr5-434169-C-T. GRCh37 (hg19) VCF-style: chr5-434284-C-T.
Other names: NM_020731.4:c.1495C>T.
Identifiers: ClinVar variation 708922 (VCV000708922.28), dbSNP rs147880563, ClinGen allele CA3174480.